The following is an entry in ClinVar:

ClinVar aggregate classification (germline): Uncertain significance. Review status: criteria provided, multiple submitters, no conflicts (2 of 4 stars). 3 submissions from 3 submitters: Uncertain significance (3). Last evaluated 2024-08-27.

Allele frequency attached by ClinVar (database versions not stated): TOPMed 0.00011; gnomAD 0.00007.
gnomAD v4.1: 54 of 1,608,266 alleles (0.0034%); highest among the groups gnomAD compares: Admixed American, 0.03%; no homozygotes.

Submissions (3):

Ambry Genetics
Classification: Uncertain significance. Last evaluated: 2024-08-27. Review status: criteria provided, single submitter. Criteria: Ambry Variant Classification Scheme 2023. Collection method: clinical testing. Allele origin: germline.

GeneDx
Classification: Uncertain significance. Last evaluated: 2023-07-05. Review status: criteria provided, single submitter. Criteria: GeneDx Variant Classification Process June 2021. Collection method: clinical testing. Allele origin: germline. Affected: yes.
Comment: In silico analysis supports that this missense variant has a deleterious effect on protein structure/function; Has not been previously published as pathogenic or benign to our knowledge

Eurofins Ntd Llc (ga)
Classification: Uncertain significance. Last evaluated: 2017-05-28. Review status: criteria provided, single submitter. Criteria: EGL Classification Definitions 2015. Collection method: clinical testing. Allele origin: germline. Observed: 1 variant allele, 1 heterozygote.

NM_015275.3(WASHC4):c.1912C>T (p.Arg638Cys)

Gene: WASHC4 (WASH complex subunit 4; plus strand). Cytogenetic location: 12q23.3.
Variant type: single nucleotide variant.
Coding change: c.1912C>T on transcript NM_015275.3 (MANE Select); coding-DNA position 1912, C replaced by T.
Protein change: p.Arg638Cys; replaces arginine 638 with cysteine.
Molecular consequence: missense variant.
Genome position (GRCh38, 1-based): chr12:105,143,145, C>T. VCF-style: chr12-105143145-C-T. GRCh37 (hg19) VCF-style: chr12-105536923-C-T.
Other names: c.1915C>T, p.Arg639Cys (NM_001293640.2); c.1912C>T (NM_015275.2, NM_015275.1); short protein forms R638C, R639C.
Identifiers: ClinVar variation 502310 (VCV000502310.7), dbSNP rs765715311, ClinGen allele CA6758753.